The following is an entry in ClinVar:

ClinVar aggregate classification (germline): Uncertain significance (1 of 4 stars; one submission).

Allele frequency attached by ClinVar (database versions not stated): ExAC 0.00003; gnomAD 0.00004; TOPMed 0.00005; ESP Exome Variant Server 0.00008.
gnomAD v4.1: 179 of 1,613,918 alleles (0.011%); highest among the groups gnomAD compares: Non-Finnish European, 0.014%; no homozygotes.

Submission:

Ambry Genetics
Classification: Uncertain significance. Last evaluated: 2026-02-17. Review status: criteria provided, single submitter. Criteria: Ambry Variant Classification Scheme 2023. Collection method: clinical testing. Allele origin: germline.
Comment: The c.181G>C (p.G61R) alteration is located in exon 2 (coding exon 2) of the ATP9B gene. This alteration results from a G to C substitution at nucleotide position 181, causing the glycine (G) at amino acid position 61 to be replaced by an arginine (R). Based on data from gnomAD, the C allele has an overall frequency of 0.005% (13/282748) total alleles studied. The highest observed frequency was 0.01% (13/129092) of European (non-Finnish) alleles. Based on insufficient or conflicting evidence, the clinical significance of this alteration remains unclear.

NM_198531.5(ATP9B):c.181G>C (p.Gly61Arg)

Gene: ATP9B (ATPase phospholipid transporting 9B; plus strand). Cytogenetic location: 18q23.
Variant type: single nucleotide variant.
Coding change: c.181G>C on transcript NM_198531.5 (MANE Select); coding-DNA position 181, G replaced by C.
Protein change: p.Gly61Arg; replaces glycine 61 with arginine.
Molecular consequence: missense variant. On other transcripts: non-coding transcript variant (1).
Genome position (GRCh38, 1-based): chr18:79,096,537, G>C. VCF-style: chr18-79096537-G-C. GRCh37 (hg19) VCF-style: chr18-76856537-G-C.
Other names: c.181G>C, p.Gly61Arg (NM_001306085.2); short protein forms G61R.
Identifiers: ClinVar variation 3132069 (VCV003132069.2), dbSNP rs368760695, ClinGen allele CA9007181.